The following is an entry in ClinVar:

NM_000059.4(BRCA2):c.764dup (p.Asn255fs)

Gene: BRCA2 (BRCA2 DNA repair associated; plus strand). Cytogenetic location: 13q13.1.
Variant type: Duplication.
Coding change: c.764dup on transcript NM_000059.4 (MANE Select); coding-DNA position 764, one base duplicated (A; older notation c.764dupA).
Protein change: p.Asn255fs; shifts the reading frame from asparagine 255.
Molecular consequence: frameshift variant.
Genome position (GRCh38, 1-based): chr13:32,331,001, A duplicated; the last of 4 consecutive A bases (chr13:32,330,998-32,331,001); duplicating any one gives the same sequence. VCF-style (leftmost placement, unchanged base first): chr13-32330997-G-GA. GRCh37 (hg19) VCF-style: chr13-32905134-G-GA.
Other names: c.764dupA (NM_000059.3); short protein forms N255fs.
Identifiers: ClinVar variation 487412 (VCV000487412.6), dbSNP rs1555281474, ClinGen allele CA658656371.
Genomic context (GRCh38, chr13:32,330,997, plus strand): 5'-TCCAATCATGATGAAAGTCTGAAGAAAAATGATAGATTTATCGCTTCTGTGACAGACAGT[G>GA]AAAACACAAATCAAAGAGAAGCTGCAAGTCATGGTAAGTCCTCTGTTTAGTTGAACTACA-3'

ClinVar aggregate classification (germline): Pathogenic. Review status: criteria provided, single submitter (1 of 4 stars). 2 submissions from 2 submitters: Pathogenic (1). 1 of the submissions does not count toward it. Last evaluated 2020-01-15.

Conditions:
Hereditary cancer-predisposing syndrome. Also called: Tumor predisposition; Neoplastic Syndromes, Hereditary; Hereditary Cancer Syndrome; Hereditary neoplastic syndrome. Identifiers: Orphanet 140162, MedGen C0027672, MeSH D009386, MONDO:0015356.
Breast-ovarian cancer, familial, susceptibility to, 2 (BROVCA2). Also called: BRCA2 Hereditary Breast and Ovarian Cancer. Identifiers: Orphanet 145, MedGen C2675520, MONDO:0012933, OMIM 612555. Disease mechanism: loss of function.

Submissions (2):

Color Diagnostics, LLC DBA Color Health
Classification: Pathogenic for Hereditary cancer-predisposing syndrome. Last evaluated: 2020-01-15. Review status: criteria provided, single submitter. Criteria: ACMG Guidelines, 2015. Collection method: clinical testing. Allele origin: germline.
Comment: This variant inserts 1 nucleotide in exon 9 of the BRCA2 gene, creating a frameshift and premature translation stop signal. This variant is expected to result in an absent or non-functional protein product. This variant has not been identified in the general population by the Genome Aggregation Database (gnomAD). Loss of BRCA2 function is a known mechanism of disease. Based on the available evidence, this variant is classified as Pathogenic.

Counsyl
Classification: Likely pathogenic for Breast-ovarian cancer, familial, susceptibility to, 2. Last evaluated: 2016-12-20. Review status: no assertion criteria provided. Collection method: clinical testing. Allele origin: unknown. Not counted in ClinVar's aggregate classification.